The following is an entry in ClinVar:

NM_004260.4(RECQL4):c.409G>A (p.Ala137Thr)

Gene: RECQL4 (RecQ like helicase 4; minus strand). Cytogenetic location: 8q24.3.
Variant type: single nucleotide variant.
Coding change: c.409G>A on transcript NM_004260.4 (MANE Select); coding-DNA position 409, G replaced by A.
Protein change: p.Ala137Thr; replaces alanine 137 with threonine.
Molecular consequence: missense variant. On other transcripts: 5 prime UTR variant (13), non-coding transcript variant (3), intron variant (5).
Genome position (GRCh38, 1-based): chr8:144,516,710, C>T on the plus strand (G>A on the coding strand, the complement: RECQL4 is on the minus strand). VCF-style: chr8-144516710-C-T. GRCh37 (hg19) VCF-style: chr8-145742094-C-T.
Other names: c.409G>A, p.Ala137Thr (NM_001413017.1, NM_001413018.1, NM_001413019.1 and 4 more transcripts); c.-663G>A (NM_001413022.1, NM_001413023.1, NM_001413042.1 and 3 more transcripts); c.280G>A, p.Ala94Thr (NM_001413025.1); c.-725G>A (NM_001413027.1, NM_001413030.1, NM_001413031.1 and 1 more transcripts); c.-388G>A (NM_001413028.1); c.-932G>A (NM_001413043.1); c.355-297G>A (NM_001413029.1); c.-676-49G>A (NM_001413032.1); and 4 more; short protein forms A137T, A94T.
Identifiers: ClinVar variation 2730426 (VCV002730426.4), dbSNP rs1328082539, ClinGen allele CA372691589.

ClinVar aggregate classification (germline): Conflicting classifications of pathogenicity. Review status: criteria provided, conflicting classifications (1 of 4 stars). 2 submissions from 2 submitters: Uncertain significance (1); Likely benign (1). Last evaluated 2025-11-22.

Conditions:
Baller-Gerold syndrome (BGS). Also called: CRANIOSYNOSTOSIS WITH RADIAL DEFECTS. Identifiers: Orphanet 1225, MedGen C0265308, MONDO:0009039, OMIM 218600.
Inborn genetic diseases. Identifiers: MedGen C0950123, MeSH D030342.

Submissions (2):

Ambry Genetics
Classification: Likely benign for Inborn genetic diseases. Last evaluated: 2025-11-22. Review status: criteria provided, single submitter. Criteria: Ambry Variant Classification Scheme 2023. Collection method: clinical testing. Allele origin: germline.

Labcorp Genetics (formerly Invitae), Labcorp
Classification: Uncertain significance for Baller-Gerold syndrome. Last evaluated: 2022-11-08. Review status: criteria provided, single submitter. Criteria: Invitae Variant Classification Sherloc (09022015). Collection method: clinical testing. Allele origin: germline.
Comment: In summary, the available evidence is currently insufficient to determine the role of this variant in disease. Therefore, it has been classified as a Variant of Uncertain Significance. Advanced modeling of protein sequence and biophysical properties (such as structural, functional, and spatial information, amino acid conservation, physicochemical variation, residue mobility, and thermodynamic stability) performed at Invitae indicates that this missense variant is not expected to disrupt RECQL4 protein function. This variant has not been reported in the literature in individuals affected with RECQL4-related conditions. This variant is not present in population databases (gnomAD no frequency). This sequence change replaces alanine, which is neutral and non-polar, with threonine, which is neutral and polar, at codon 137 of the RECQL4 protein (p.Ala137Thr).